The following is an entry in ClinVar:

ClinVar aggregate classification (germline): Uncertain significance (1 of 4 stars; one submission).

Allele frequency attached by ClinVar (database versions not stated): ExAC 0.00001; gnomAD 0.00001.
gnomAD v4.1: 1 of 1,614,000 alleles (0.000062%); highest among the groups gnomAD compares: Non-Finnish European, 0.000085%; no homozygotes.

Submission:

Labcorp Genetics (formerly Invitae), Labcorp
Classification: Uncertain significance. Last evaluated: 2024-05-16. Review status: criteria provided, single submitter. Criteria: Invitae Variant Classification Sherloc (09022015). Collection method: clinical testing. Allele origin: germline.
Comment: This sequence change replaces serine, which is neutral and polar, with alanine, which is neutral and non-polar, at codon 33 of the PPP1R15B protein (p.Ser33Ala). This variant is present in population databases (rs746855147, gnomAD 0.0009%). This variant has not been reported in the literature in individuals affected with PPP1R15B-related conditions. ClinVar contains an entry for this variant (Variation ID: 2087665). Algorithms developed to predict the effect of missense changes on protein structure and function output the following: SIFT: "Not Available"; PolyPhen-2: "Benign"; Align-GVGD: "Not Available". The alanine amino acid residue is found in multiple mammalian species, which suggests that this missense change does not adversely affect protein function. In summary, the available evidence is currently insufficient to determine the role of this variant in disease. Therefore, it has been classified as a Variant of Uncertain Significance.

NM_032833.5(PPP1R15B):c.97T>G (p.Ser33Ala)

Gene: PPP1R15B (protein phosphatase 1 regulatory subunit 15B; minus strand). Cytogenetic location: 1q32.1.
Variant type: single nucleotide variant.
Coding change: c.97T>G on transcript NM_032833.5 (MANE Select); coding-DNA position 97, T replaced by G.
Protein change: p.Ser33Ala; replaces serine 33 with alanine.
Molecular consequence: missense variant.
Genome position (GRCh38, 1-based): chr1:204,411,315, A>C on the plus strand (T>G on the coding strand, the complement: PPP1R15B is on the minus strand). VCF-style: chr1-204411315-A-C. GRCh37 (hg19) VCF-style: chr1-204380443-A-C.
Other names: short protein forms S33A.
Identifiers: ClinVar variation 2087665 (VCV002087665.4), dbSNP rs746855147, ClinGen allele CA1346909.
Genomic context (GRCh38, chr1:204,411,315, plus strand): 5'-AGGAAAGCAGTGTGGGGTTCCCGGAGTTTTCCGGGCCAAGAGGCGTCGGGAACTTAGAAG[A>C]GCCTGCTTGCGATCGCCGAGGGAAAAAGGGTGGCCAGAACCGGAAGCCCGCCCGAGGGCC-3'
Protein context (NP_116222.4, residues 23-43): PFFPRRSQAG[Ser33Ala]SKFPTPLGPE